The following is an entry in ClinVar:

NM_198578.4(LRRK2):c.200T>C (p.Val67Ala)

Gene: LRRK2 (leucine rich repeat kinase 2; plus strand). Cytogenetic location: 12q12.
Variant type: single nucleotide variant.
Coding change: c.200T>C on transcript NM_198578.4 (MANE Select); coding-DNA position 200, T replaced by C.
Protein change: p.Val67Ala; replaces valine 67 with alanine.
Molecular consequence: missense variant.
Genome position (GRCh38, 1-based): chr12:40,225,603, T>C. VCF-style: chr12-40225603-T-C. GRCh37 (hg19) VCF-style: chr12-40619405-T-C.
Other names: short protein forms V67A.
Identifiers: ClinVar variation 1784390 (VCV001784390.2), dbSNP rs1165960349, ClinGen allele CA384399228.

ClinVar aggregate classification (germline): Uncertain significance (1 of 4 stars; one submission).

Conditions:
Inborn genetic diseases. Identifiers: MedGen C0950123, MeSH D030342.

Allele frequency attached by ClinVar (database versions not stated): gnomAD exomes below 0.00001.
gnomAD v4.1: 2 of 1,614,192 alleles (0.00012%); highest among the groups gnomAD compares: East Asian, 0.0022%; no homozygotes.

Submission:

Ambry Genetics
Classification: Uncertain significance for Inborn genetic diseases. Last evaluated: 2023-10-19. Review status: criteria provided, single submitter. Criteria: Ambry Variant Classification Scheme 2023. Collection method: clinical testing. Allele origin: germline.
Comment: The p.V67A variant (also known as c.200T>C), located in coding exon 2 of the LRRK2 gene, results from a T to C substitution at nucleotide position 200. The valine at codon 67 is replaced by alanine, an amino acid with similar properties. This amino acid position is conserved. In addition, this alteration is predicted to be tolerated by in silico analysis. Since supporting evidence is limited at this time, the clinical significance of this alteration remains unclear.